The following is an entry in ClinVar:

NM_006031.6(PCNT):c.4336C>G (p.Gln1446Glu)

Gene: PCNT (pericentrin; plus strand). Cytogenetic location: 21q22.3.
Variant type: single nucleotide variant.
Coding change: c.4336C>G on transcript NM_006031.6 (MANE Select); coding-DNA position 4336, C replaced by G.
Protein change: p.Gln1446Glu; replaces glutamine 1446 with glutamic acid.
Molecular consequence: missense variant.
Genome position (GRCh38, 1-based): chr21:46,397,384, C>G. VCF-style: chr21-46397384-C-G. GRCh37 (hg19) VCF-style: chr21-47817298-C-G.
Other names: c.3982C>G, p.Gln1328Glu (NM_001315529.2); c.4336C>G (NM_006031.5); short protein forms Q1328E, Q1446E.
Identifiers: ClinVar variation 2096873 (VCV002096873.5), dbSNP rs1569249294, ClinGen allele CA410578742.
Genomic context (GRCh38, chr21:46,397,384, plus strand): 5'-GAGAAGGACCGCTCAGCCCTGCTCTCCCAGATGAAGATTTTGGAGTCTGAGTTAGAAGAA[C>G]AGCTGTCTCAGCATCGCGGGTGTGCCAAGCAGGCGGAGGCCGTCACTGCCCTGGAACAGC-3'
Protein context (NP_006022.3, residues 1436-1456): MKILESELEE[Gln1446Glu]LSQHRGCAKQ

ClinVar aggregate classification (germline): Uncertain significance. Review status: criteria provided, multiple submitters, no conflicts (2 of 4 stars). 2 submissions from 2 submitters: Uncertain significance (2). Last evaluated 2025-10-07.

Conditions:
Inborn genetic diseases. Identifiers: MedGen C0950123, MeSH D030342.

Allele frequency attached by ClinVar (database versions not stated): gnomAD 0.00001; TOPMed 0.00001.
gnomAD v4.1: 5 of 1,614,082 alleles (0.00031%); highest among the groups gnomAD compares: Admixed American, 0.0017%; no homozygotes.

Submissions (2):

Ambry Genetics
Classification: Uncertain significance for Inborn genetic diseases. Last evaluated: 2025-10-07. Review status: criteria provided, single submitter. Criteria: Ambry Variant Classification Scheme 2023. Collection method: clinical testing. Allele origin: germline.

Labcorp Genetics (formerly Invitae), Labcorp
Classification: Uncertain significance. Last evaluated: 2022-03-26. Review status: criteria provided, single submitter. Criteria: Invitae Variant Classification Sherloc (09022015). Collection method: clinical testing. Allele origin: germline.
Comment: This sequence change replaces glutamine, which is neutral and polar, with glutamic acid, which is acidic and polar, at codon 1446 of the PCNT protein (p.Gln1446Glu). In summary, the available evidence is currently insufficient to determine the role of this variant in disease. Therefore, it has been classified as a Variant of Uncertain Significance. Algorithms developed to predict the effect of missense changes on protein structure and function are either unavailable or do not agree on the potential impact of this missense change (SIFT: "Deleterious"; PolyPhen-2: "Benign"; Align-GVGD: "Class C25"). This variant has not been reported in the literature in individuals affected with PCNT-related conditions. This variant is not present in population databases (gnomAD no frequency).